The following is an entry in ClinVar:

ClinVar aggregate classification (germline): Uncertain significance (1 of 4 stars; one submission).

Conditions:
Familial juvenile hyperuricemic nephropathy type 2 (ADTKD4). Also called: Autosomal Dominant Tubulointerstitial Kidney Disease – REN; EARLY-ONSET HYPERURICEMIA, ANEMIA, AND PROGRESSIVE KIDNEY FAILURE. Identifiers: Orphanet 217330, MedGen C2751310, MONDO:0013128, OMIM 613092.

gnomAD v4.1: 2 of 1,614,174 alleles (0.00012%); highest among the groups gnomAD compares: Non-Finnish European, 0.00017%; no homozygotes.

Submission:

Victorian Clinical Genetics Services, Murdoch Childrens Research Institute
Classification: Uncertain significance for Familial juvenile hyperuricemic nephropathy type 2. Last evaluated: 2023-12-21. Review status: criteria provided, single submitter. Criteria: ACMG Guidelines, 2015. Collection method: clinical testing. Allele origin: germline. Inheritance: Autosomal dominant inheritance. Affected: yes.
Comment: Based on the classification scheme VCGS_Germline_v1.3.4, this variant is classified as VUS-3A. Following criteria are met: 0102 - Loss of function is a known mechanism of disease in this gene and is associated with autosomal recessive renal tubular dysgenesis (MIM#267430). This gene is also associated with autosomal dominant tubulointerstitial kidney disease 4 (MIM#613092). The mechanism of disease for the dominant condition has not been clearly established, although toxic gain of function has been suggested (PMID: 37283036). (I) 0108 - This gene is associated with both recessive and dominant disease. Biallelic loss of function variants that cause a complete loss of renin synthesis are associated with renal tubular dysgenesis, a severe condition associated with perinatal mortality (PMID: 16116425). Dominant variants reported to date are predominantly missense changes that lead to renal tubulointerstitial damage and progressive chronic kidney disease. The age of onset and severity of disease have been found to correlate with protein location (PMID: 37283036). (I) 0200 - Variant is predicted to result in a missense amino acid change from phenylalanine to serine. (I) 0251 - This variant is heterozygous. (I) 0301 - Variant is absent from gnomAD (both v2 and v3). (SP) 0501 - Missense variant consistently predicted to be damaging by multiple in silico tools or highly conserved with a major amino acid change. (SP) 0600 - Variant is located in the annotated mature renin peptide domain (PMID: 32750457). (I) 0705 - No comparable missense variants have previous evidence for pathogenicity. (I) 0807 - This variant has no previous evidence of pathogenicity. (I) 0905 - No published segregation evidence has been identified for this variant. (I) 1007 - No published functional evidence has been identified for this variant. (I) 1208 - Inheritance information for this variant is not currently available in this individual. (I) Legend: (SP) - Supporting pathogenic, (I) - Information, (SB) - Supporting benign

Literature cited by the submitters: PubMed 16116425; PubMed 32750457; PubMed 37283036.

NM_000537.4(REN):c.554T>C (p.Phe185Ser)

Gene: REN (renin; minus strand). Cytogenetic location: 1q32.1.
Variant type: single nucleotide variant.
Coding change: c.554T>C on transcript NM_000537.4 (MANE Select); coding-DNA position 554, T replaced by C.
Protein change: p.Phe185Ser; replaces phenylalanine 185 with serine.
Molecular consequence: missense variant.
Genome position (GRCh38, 1-based): chr1:204,159,534, A>G on the plus strand (T>C on the coding strand, the complement: REN is on the minus strand). VCF-style: chr1-204159534-A-G. GRCh37 (hg19) VCF-style: chr1-204128662-A-G.
Other names: short protein forms F185S.
Identifiers: ClinVar variation 3376865 (VCV003376865.1).